The following is an entry in ClinVar:

NM_000093.5(COL5A1):c.4252C>T (p.Pro1418Ser)

Gene: COL5A1 (collagen type V alpha 1 chain; plus strand). Cytogenetic location: 9q34.3.
Variant type: single nucleotide variant.
Coding change: c.4252C>T on transcript NM_000093.5 (MANE Select); coding-DNA position 4252, C replaced by T.
Protein change: p.Pro1418Ser; replaces proline 1418 with serine.
Molecular consequence: missense variant.
Genome position (GRCh38, 1-based): chr9:134,818,677, C>T. VCF-style: chr9-134818677-C-T. GRCh37 (hg19) VCF-style: chr9-137710523-C-T.
Other names: c.4252C>T, p.Pro1418Ser (NM_001278074.1); c.4252C>T (NM_000093.3); short protein forms P1418S.
Identifiers: ClinVar variation 1504552 (VCV001504552.9), dbSNP rs796151769, ClinGen allele CA201096885.
Genomic context (GRCh38, chr9:134,818,677, plus strand): 5'-AGAGCTCCGGACCTCATTCTGCCCTCCGCCGTCCTGCAGGGAGAAGCCGGCTTGGAAGGC[C>T]CTCCTGGGAAGACTGGCCCCATCGGCCCCCAGGGGGCCCCTGGGAAGCCCGGACCGGATG-3'
Protein context (NP_000084.3, residues 1408-1428): GAKGEAGLEG[Pro1418Ser]PGKTGPIGPQ

ClinVar aggregate classification (germline): Conflicting classifications of pathogenicity. Review status: criteria provided, conflicting classifications (1 of 4 stars). 2 submissions from 2 submitters: Uncertain significance (1); Likely benign (1). Last evaluated 2025-03-11.

Conditions:
Ehlers-Danlos syndrome, classic type, 1 (EDSCL1). Also called: EHLERS-DANLOS SYNDROME, GRAVIS TYPE; EHLERS-DANLOS SYNDROME, SEVERE CLASSIC TYPE; Ehlers-Danlos syndrome, type 1; Ehlers-Danlos Syndrome, Classic Type, COL5A1-Related; EDS I. Identifiers: MedGen C0268335, MONDO:0019567, OMIM 130000.

Allele frequency attached by ClinVar (database versions not stated): gnomAD exomes below 0.00001.
gnomAD v4.1: 5 of 1,609,090 alleles (0.00031%); highest among the groups gnomAD compares: Admixed American, 0.0034%; no homozygotes.

Submissions (2):

GeneDx
Classification: Uncertain significance. Last evaluated: 2025-03-11. Review status: criteria provided, single submitter. Criteria: GeneDx Variant Classification Process June 2021. Collection method: clinical testing. Allele origin: germline. Affected: yes.
Comment: Has not been previously published as pathogenic or benign to our knowledge; Not observed at significant frequency in large population cohorts (gnomAD); In silico analysis supports that this missense variant has a deleterious effect on protein structure/function; This variant is associated with the following publications: (PMID: 22696272)

Labcorp Genetics (formerly Invitae), Labcorp
Classification: Likely benign for Ehlers-Danlos syndrome, classic type, 1. Last evaluated: 2024-10-02. Review status: criteria provided, single submitter. Criteria: Invitae Variant Classification Sherloc (09022015). Collection method: clinical testing. Allele origin: germline.